The following is an entry in ClinVar:

NM_024301.5(FKRP):c.821T>C (p.Ile274Thr)

Gene: FKRP (fukutin related protein; plus strand). Cytogenetic location: 19q13.32.
Variant type: single nucleotide variant.
Coding change: c.821T>C on transcript NM_024301.5 (MANE Select); coding-DNA position 821, T replaced by C.
Protein change: p.Ile274Thr; replaces isoleucine 274 with threonine.
Molecular consequence: missense variant.
Genome position (GRCh38, 1-based): chr19:46,756,271, T>C. VCF-style: chr19-46756271-T-C. GRCh37 (hg19) VCF-style: chr19-47259528-T-C.
Other names: c.821T>C (NM_024301.4); c.821T>C, p.Ile274Thr (NM_001039885.3); short protein forms I274T.
Identifiers: ClinVar variation 2689067 (VCV002689067.3), dbSNP rs2054919311, ClinGen allele CA406496077.
Genomic context (GRCh38, chr19:46,756,271, plus strand): 5'-GCTGGAAGGCTGAGCGCGAGGGACGCGCTCGGCGGGCGGCGCTGCTCCGCGCGCTGGGCA[T>C]CCGCCTAGTGAGCTGGGAAGGCGGGCGGCTGGAGTGGTTCGGCTGCAACAAGGAGACCAC-3'
Protein context (NP_077277.1, residues 264-284): RRAALLRALG[Ile274Thr]RLVSWEGGRL

ClinVar aggregate classification (germline): Uncertain significance. Review status: criteria provided, multiple submitters, no conflicts (2 of 4 stars). 2 submissions from 2 submitters: Uncertain significance (2). Last evaluated 2025-03-02.

Conditions:
Cardiovascular phenotype. Identifiers: MedGen CN230736.

gnomAD v4.1: 2 of 1,507,970 alleles (0.00013%); highest among the groups gnomAD compares: African/African-American, 0.0014%; no homozygotes.

Submissions (2):

Ambry Genetics
Classification: Uncertain significance for Cardiovascular phenotype. Last evaluated: 2025-03-02. Review status: criteria provided, single submitter. Criteria: Ambry Variant Classification Scheme 2023. Collection method: clinical testing. Allele origin: germline.
Comment: The p.I274T variant (also known as c.821T>C), located in coding exon 1 of the FKRP gene, results from a T to C substitution at nucleotide position 821. The isoleucine at codon 274 is replaced by threonine, an amino acid with similar properties. This amino acid position is conserved. In addition, the in silico prediction for this alteration is inconclusive. Based on the available evidence, the clinical significance of this variant remains unclear.

Revvity Omics, Revvity
Classification: Uncertain significance. Last evaluated: 2023-06-14. Review status: criteria provided, single submitter. Criteria: ACMG Guidelines, 2015. Collection method: clinical testing. Allele origin: germline.